The following is an entry in ClinVar:

ClinVar aggregate classification (germline): Uncertain significance (1 of 4 stars; one submission).

gnomAD v4.1: 13 of 1,612,092 alleles (0.00081%); highest among the groups gnomAD compares: Middle Eastern, 0.13%; no homozygotes.

Submission:

Labcorp Genetics (formerly Invitae), Labcorp
Classification: Uncertain significance. Last evaluated: 2024-09-22. Review status: criteria provided, single submitter. Criteria: Invitae Variant Classification Sherloc (09022015). Collection method: clinical testing. Allele origin: germline.
Comment: This sequence change replaces histidine, which is basic and polar, with tyrosine, which is neutral and polar, at codon 867 of the PLEKHM2 protein (p.His867Tyr). This variant is present in population databases (rs775111856, gnomAD 0.002%). This variant has not been reported in the literature in individuals affected with PLEKHM2-related conditions. An algorithm developed to predict the effect of missense changes on protein structure and function (PolyPhen-2) suggests that this variant is likely to be tolerated. In summary, the available evidence is currently insufficient to determine the role of this variant in disease. Therefore, it has been classified as a Variant of Uncertain Significance.

NM_015164.4(PLEKHM2):c.2599C>T (p.His867Tyr)

Gene: PLEKHM2 (pleckstrin homology and RUN domain containing M2; plus strand). Cytogenetic location: 1p36.21.
Variant type: single nucleotide variant.
Coding change: c.2599C>T on transcript NM_015164.4 (MANE Select); coding-DNA position 2599, C replaced by T.
Protein change: p.His867Tyr; replaces histidine 867 with tyrosine.
Molecular consequence: missense variant.
Genome position (GRCh38, 1-based): chr1:15,732,022, C>T. VCF-style: chr1-15732022-C-T. GRCh37 (hg19) VCF-style: chr1-16058517-C-T.
Other names: c.2539C>T, p.His847Tyr (NM_001410755.1); short protein forms H847Y, H867Y.
Identifiers: ClinVar variation 3626641 (VCV003626641.2).